The following is an entry in ClinVar:

ClinVar aggregate classification (germline): Likely benign. Review status: criteria provided, multiple submitters, no conflicts (2 of 4 stars). 2 submissions from 2 submitters: Likely benign (2). Last evaluated 2026-04-14.

Conditions:
DICER1-related tumor predisposition. Also called: DICER1 syndrome; DICER1-related pleuropulmonary blastoma cancer predisposition syndrome. Identifiers: Orphanet 284343, MedGen C3839822, MONDO:0100216.

Submissions (2):

Myriad Genetics, Inc.
Classification: Likely benign for DICER1-related tumor predisposition. Last evaluated: 2026-04-14. Review status: criteria provided, single submitter. Criteria: Myriad Autosomal Dominant, Autosomal Recessive and X-Linked Classification Criteria (2023). Collection method: clinical testing. Allele origin: unknown.
Comment: This variant is considered likely benign. This variant is intronic and is not expected to impact mRNA splicing.

Labcorp Genetics (formerly Invitae), Labcorp
Classification: Likely benign for DICER1-related tumor predisposition. Last evaluated: 2025-03-25. Review status: criteria provided, single submitter. Criteria: Invitae Variant Classification Sherloc (09022015). Collection method: clinical testing. Allele origin: germline.

NM_177438.3(DICER1):c.5528-18C>T

Gene: DICER1 (dicer 1, ribonuclease III; minus strand). Cytogenetic location: 14q32.13.
Variant type: single nucleotide variant.
Coding change: c.5528-18C>T on transcript NM_177438.3 (MANE Select); 18 bases into the intron before coding-DNA position 5528, C replaced by T.
Molecular consequence: intron variant.
Genome position (GRCh38, 1-based): chr14:95,091,127, G>A on the plus strand (C>T on the coding strand, the complement: DICER1 is on the minus strand). VCF-style: chr14-95091127-G-A. GRCh37 (hg19) VCF-style: chr14-95557464-G-A.
Other names: c.5528-18C>T (NM_001291628.2, NM_030621.4, NM_001395677.1 and 7 more transcripts); c.5123-18C>T (NM_001395690.1, NM_001395687.1, NM_001395689.1 and 1 more transcripts); c.5246-18C>T (NM_001395686.1); c.4961-18C>T (NM_001395691.1); c.3845-18C>T (NM_001395697.1); c.5365-18C>T (NM_001195573.1).
Identifiers: ClinVar variation 2043456 (VCV002043456.5), dbSNP rs370686986, ClinGen allele CA2580088983.